The following is an entry in ClinVar:

ClinVar aggregate classification (germline): Uncertain significance. Review status: criteria provided, multiple submitters, no conflicts (2 of 4 stars). 2 submissions from 2 submitters: Uncertain significance (2). Last evaluated 2025-02-01.

Conditions:
Hereditary cancer-predisposing syndrome. Also called: Neoplastic Syndromes, Hereditary; Hereditary Cancer Syndrome; Tumor predisposition; Hereditary neoplastic syndrome. Identifiers: Orphanet 140162, MedGen C0027672, MeSH D009386, MONDO:0015356.

Allele frequency attached by ClinVar (database versions not stated): gnomAD exomes below 0.00001.

Submissions (2):

Ambry Genetics
Classification: Uncertain significance for Hereditary cancer-predisposing syndrome. Last evaluated: 2025-02-01. Review status: criteria provided, single submitter. Criteria: Ambry Variant Classification Scheme 2023. Collection method: clinical testing. Allele origin: germline.
Comment: The p.A1567T variant (also known as c.4699G>A), located in coding exon 36 of the POLE gene, results from a G to A substitution at nucleotide position 4699. The alanine at codon 1567 is replaced by threonine, an amino acid with similar properties. This amino acid position is conserved. In addition, this alteration is predicted to be tolerated by in silico analysis. Based on the available evidence, the clinical significance of this variant remains unclear.

Labcorp Genetics (formerly Invitae), Labcorp
Classification: Uncertain significance. Last evaluated: 2021-11-26. Review status: criteria provided, single submitter. Criteria: Invitae Variant Classification Sherloc (09022015). Collection method: clinical testing. Allele origin: germline.
Comment: In summary, the available evidence is currently insufficient to determine the role of this variant in disease. Therefore, it has been classified as a Variant of Uncertain Significance. Algorithms developed to predict the effect of missense changes on protein structure and function (SIFT, PolyPhen-2, Align-GVGD) all suggest that this variant is likely to be tolerated. This variant has not been reported in the literature in individuals affected with POLE-related conditions. This variant is not present in population databases (gnomAD no frequency). This sequence change replaces alanine, which is neutral and non-polar, with threonine, which is neutral and polar, at codon 1567 of the POLE protein (p.Ala1567Thr).

NM_006231.4(POLE):c.4699G>A (p.Ala1567Thr)

Gene: POLE (DNA polymerase epsilon, catalytic subunit; minus strand). Cytogenetic location: 12q24.33.
Variant type: single nucleotide variant.
Coding change: c.4699G>A on transcript NM_006231.4 (MANE Select); coding-DNA position 4699, G replaced by A.
Protein change: p.Ala1567Thr; replaces alanine 1567 with threonine.
Molecular consequence: missense variant.
Genome position (GRCh38, 1-based): chr12:132,642,849, C>T on the plus strand (G>A on the coding strand, the complement: POLE is on the minus strand). VCF-style: chr12-132642849-C-T. GRCh37 (hg19) VCF-style: chr12-133219435-C-T.
Other names: c.4699G>A (NM_006231.2); short protein forms A1567T.
Identifiers: ClinVar variation 1376092 (VCV001376092.7), dbSNP rs2138539192, ClinGen allele CA387378722.
Genomic context (GRCh38, chr12:132,642,849, plus strand): 5'-GCTCACACAGCAAGACCCCAACCACTCTCACCTTGTAGGCGAGCAGGAATCGCTGGATGG[C>T]TCTGCAGATGGTCTTCAGGTCAGTTTCTGCCCGAACTTCGAAGGTGTGTTTGGGGGGTGG-3'
Protein context (NP_006222.2, residues 1557-1577): AETDLKTICR[Ala1567Thr]IQRFLLAYKE